The following is an entry in ClinVar:

NM_004656.4(BAP1):c.902C>A (p.Ala301Asp)

Gene: BAP1 (BRCA1 associated deubiquitinase 1; minus strand). Cytogenetic location: 3p21.1.
Variant type: single nucleotide variant.
Coding change: c.902C>A on transcript NM_004656.4 (MANE Select); coding-DNA position 902, C replaced by A.
Protein change: p.Ala301Asp; replaces alanine 301 with aspartic acid.
Molecular consequence: missense variant.
Genome position (GRCh38, 1-based): chr3:52,405,794, G>T on the plus strand (C>A on the coding strand, the complement: BAP1 is on the minus strand). VCF-style: chr3-52405794-G-T. GRCh37 (hg19) VCF-style: chr3-52439810-G-T.
Other names: c.848C>A, p.Ala283Asp (NM_001410772.1); short protein forms A283D, A301D.
Identifiers: ClinVar variation 3477439 (VCV003477439.1).
Genomic context (GRCh38, chr3:52,405,794, plus strand): 5'-GGTCCACAAGAGGTCCCAAACCCCCCAGTACCTGTGTGGTTGCCCTCAGAGGCTGCAGGG[G>T]CCCTGTTTGCTTCCAGCACCAGCGGGGACTTGTTGCTGGCTGACTTGGACTCCTCAGGCA-3'
Protein context (NP_004647.1, residues 291-311): KSPLVLEANR[Ala301Asp]PAASEGNHTD

ClinVar aggregate classification (germline): Uncertain significance (1 of 4 stars; one submission).

Conditions:
Hereditary cancer-predisposing syndrome. Also called: Tumor predisposition; Neoplastic Syndromes, Hereditary; Hereditary neoplastic syndrome; Hereditary Cancer Syndrome. Identifiers: Orphanet 140162, MedGen C0027672, MeSH D009386, MONDO:0015356.

Submission:

Ambry Genetics
Classification: Uncertain significance for Hereditary cancer-predisposing syndrome. Last evaluated: 2024-08-16. Review status: criteria provided, single submitter. Criteria: Ambry Variant Classification Scheme 2023. Collection method: clinical testing. Allele origin: germline.
Comment: The p.A301D variant (also known as c.902C>A), located in coding exon 10 of the BAP1 gene, results from a C to A substitution at nucleotide position 902. The alanine at codon 301 is replaced by aspartic acid, an amino acid with dissimilar properties. This amino acid position is conserved. In addition, this alteration is predicted to be tolerated by in silico analysis. Based on the available evidence, the clinical significance of this variant remains unclear.